The following is an entry in ClinVar:

ClinVar aggregate classification (germline): Conflicting classifications of pathogenicity. Review status: criteria provided, conflicting classifications (1 of 4 stars). 9 submissions from 9 submitters: Uncertain significance (2); Benign (1); Likely benign (3). 3 of the submissions do not count toward it. Last evaluated 2025-12-31.

Conditions:
DYSF-related disorder. Also called: DYSF-related condition; DYSF-related disorders.
Autosomal recessive limb-girdle muscular dystrophy type 2B (LGMDR2). Also called: MUSCULAR DYSTROPHY, LIMB-GIRDLE, AUTOSOMAL RECESSIVE 2; Limb-girdle muscular dystrophy, type 2B; Limb-Girdle Muscular Dystrophy Type 2B (LGMD2B); MUSCULAR DYSTROPHY, LIMB-GIRDLE, TYPE 3. Identifiers: Orphanet 268, MedGen C1850889, MONDO:0009676, OMIM 253601.
Miyoshi muscular dystrophy 1 (MMD1). Identifiers: Orphanet 45448, MedGen C4551973, MONDO:0024545, OMIM 254130.
Neuromuscular disease caused by qualitative or quantitative defects of dysferlin. Also called: Dysferlinopathy; Qualitative or quantitative defects of dysferlin. Identifiers: Orphanet 207073, MedGen C2931687, MONDO:0016145.

Allele frequency attached by ClinVar (database versions not stated): gnomAD 0.00010 and 0.00011; TOPMed 0.00018; 1000 Genomes Project 0.00020; ExAC 0.00022; gnomAD exomes 0.00029; 1000 Genomes Project 30x 0.00031.
gnomAD v4.1: 107 of 1,613,932 alleles (0.0066%); highest among the groups gnomAD compares: East Asian, 0.23%; no homozygotes.

Submissions (9):

Labcorp Genetics (formerly Invitae), Labcorp
Classification: Likely benign for Neuromuscular disease caused by qualitative or quantitative defects of dysferlin. Last evaluated: 2025-12-31. Review status: criteria provided, single submitter. Criteria: Invitae Variant Classification Sherloc (09022015). Collection method: clinical testing. Allele origin: germline.

Athena Diagnostics
Classification: Benign. Last evaluated: 2024-04-05. Review status: criteria provided, single submitter. Criteria: Athena Diagnostics Criteria. Collection method: clinical testing. Allele origin: unknown.

Genome-Nilou Lab
Classification: Likely benign for Miyoshi muscular dystrophy 1. Last evaluated: 2021-05-18. Review status: criteria provided, single submitter. Criteria: ACMG Guidelines, 2015. Collection method: clinical testing. Allele origin: germline. Affected: no.

Illumina Laboratory Services, Illumina
Classification: Uncertain significance for Qualitative or quantitative defects of dysferlin. Last evaluated: 2018-01-13. Review status: criteria provided, single submitter. Criteria: ICSL Variant Classification Criteria 13 December 2019. Collection method: clinical testing. Allele origin: germline.

Eurofins Ntd Llc (ga)
Classification: Uncertain significance. Last evaluated: 2016-06-01. Review status: criteria provided, single submitter. Criteria: EGL Classification Definitions 2015. Collection method: clinical testing. Allele origin: germline. Observed: 1 variant allele, 1 heterozygote.

GeneDx
Classification: Likely benign. Last evaluated: 2016-03-18. Review status: criteria provided, single submitter. Criteria: GeneDx Variant Classification (06012015). Collection method: clinical testing. Allele origin: germline. Affected: yes.
Comment: This variant is considered likely benign or benign based on one or more of the following criteria: it is a conservative change, it occurs at a poorly conserved position in the protein, it is predicted to be benign by multiple in silico algorithms, and/or has population frequency not consistent with disease.

PreventionGenetics, part of Exact Sciences
Classification: Likely benign for DYSF-related condition. Last evaluated: 2020-10-26. Review status: no assertion criteria provided. Collection method: clinical testing. Allele origin: germline. Not counted in ClinVar's aggregate classification.
Comment: This variant is classified as likely benign based on ACMG/AMP sequence variant interpretation guidelines (Richards et al. 2015 PMID: 25741868, with internal and published modifications).

Natera, Inc.
Classification: Likely benign for Limb-girdle muscular dystrophy type 2B. Last evaluated: 2020-01-23. Review status: no assertion criteria provided. Collection method: clinical testing. Allele origin: germline. Not counted in ClinVar's aggregate classification.

Counsyl
Classification: Uncertain significance for Autosomal recessive limb-girdle muscular dystrophy type 2B. Last evaluated: 2017-01-20. Review status: no assertion criteria provided. Collection method: clinical testing. Allele origin: unknown. Not counted in ClinVar's aggregate classification.

Literature cited by the submitters: PubMed 36672942 (cited by Athena Diagnostics); PubMed 25868377 (cited by Athena Diagnostics and Counsyl).

NM_001130987.2(DYSF):c.1149T>G (p.Pro383=)

Gene: DYSF (dysferlin; plus strand). Cytogenetic location: 2p13.2.
Variant type: single nucleotide variant.
Coding change: c.1149T>G on transcript NM_001130987.2 (MANE Select); coding-DNA position 1149, T replaced by G.
Protein change: p.Pro383=; no amino-acid change (proline 383 retained).
Molecular consequence: synonymous variant.
Genome position (GRCh38, 1-based): chr2:71,520,904, T>G. VCF-style: chr2-71520904-T-G. GRCh37 (hg19) VCF-style: chr2-71748034-T-G.
Other names: c.1056T>G, p.Pro352= (NM_001130455.2, NM_001130983.2, NM_001130984.2 and 1 more transcripts); c.1053T>G, p.Pro351= (NM_001130976.2, NM_001130977.2, NM_001130978.2 and 1 more transcripts); c.1146T>G, p.Pro382= (NM_001130979.2, NM_001130980.2, NM_001130981.2); c.1149T>G, p.Pro383= (NM_001130982.2, NM_001130985.2).
Identifiers: ClinVar variation 288411 (VCV000288411.35), dbSNP rs199955501, ClinGen allele CA1705617.